The following is an entry in ClinVar:

NM_001348716.2(KDM6B):c.2903T>G (p.Val968Gly)

Gene: KDM6B (lysine demethylase 6B; plus strand). Cytogenetic location: 17p13.1.
Variant type: single nucleotide variant.
Coding change: c.2903T>G on transcript NM_001348716.2 (MANE Select); coding-DNA position 2903, T replaced by G.
Protein change: p.Val968Gly; replaces valine 968 with glycine.
Molecular consequence: missense variant.
Genome position (GRCh38, 1-based): chr17:7,849,191, T>G. VCF-style: chr17-7849191-T-G. GRCh37 (hg19) VCF-style: chr17-7752509-T-G.
Other names: c.2903T>G, p.Val968Gly (NM_001080424.2); short protein forms V968G.
Identifiers: ClinVar variation 3113892 (VCV003113892.2), dbSNP rs542259827, ClinGen allele CA8361033.
Genomic context (GRCh38, chr17:7,849,191, plus strand): 5'-GGACTGAGCGACTGCTGCCCCCCGCACAGGCCAAGGAGGAGGCTGGCGGGGTGGCGGCAG[T>G]GTCAGGCAGCTGTAAGCGGCGACAGAAGGAGCATCAGAAGGAGCATCGGCGGCACAGGCG-3'
Protein context (NP_001335645.1, residues 958-978): AKEEAGGVAA[Val968Gly]SGSCKRRQKE

ClinVar aggregate classification (germline): Likely benign. Review status: criteria provided, multiple submitters, no conflicts (2 of 4 stars). 2 submissions from 2 submitters: Likely benign (2). Last evaluated 2026-07-01.

Conditions:
Inborn genetic diseases. Identifiers: MedGen C0950123, MeSH D030342.

Allele frequency attached by ClinVar (database versions not stated): 1000 Genomes Project 0.00040; 1000 Genomes Project 30x 0.00062.
gnomAD v4.1: 386 of 1,606,350 alleles (0.024%); highest among the groups gnomAD compares: South Asian, 0.37%; 6 homozygotes.

Submissions (2):

CeGaT Center for Human Genetics Tuebingen
Classification: Likely benign. Last evaluated: 2026-07-01. Review status: criteria provided, single submitter. Criteria: CeGaT Center For Human Genetics Tuebingen Variant Classification Criteria Version 2. Collection method: clinical testing. Allele origin: germline. Affected: yes. Observed: 1 variant allele.
Comment: KDM6B: BP4, BS1

Ambry Genetics
Classification: Likely benign for Inborn genetic diseases. Last evaluated: 2023-11-13. Review status: criteria provided, single submitter. Criteria: Ambry Variant Classification Scheme 2023. Collection method: clinical testing. Allele origin: germline.